The following is an entry in ClinVar:

NM_183381.3(RNF13):c.880_885del (p.292SD[1])

Gene: RNF13 (ring finger protein 13; plus strand). Cytogenetic location: 3q25.1.
Variant type: Deletion.
Coding change: c.880_885del on transcript NM_183381.3 (MANE Select); coding-DNA positions 880 to 885, 6 bases deleted (TCTGAC; older notation c.880_885delTCTGAC).
Protein change: p.292SD[1].
Molecular consequence: inframe deletion. On other transcripts: non-coding transcript variant (1).
Genome position (GRCh38, 1-based): chr3:149,960,838-149,960,843, TCTGAC deleted; deleting any 6 consecutive bases within chr3:149,960,835-149,960,843 gives the same sequence; the c. name uses the placement nearest the transcript's 3' end. VCF-style (leftmost placement, unchanged base first): chr3-149960834-AGACTCT-A. GRCh37 (hg19) VCF-style: chr3-149678621-AGACTCT-A.
Other names: c.880_885del, p.292SD[1] (NM_001378285.1, NM_001378286.1, NM_007282.4); c.523_528del, p.173SD[1] (NM_001378287.1, NM_001378288.1, NM_001378289.1 and 2 more transcripts); c.487_492del, p.161SD[1] (NM_001378291.1).
Identifiers: ClinVar variation 2767383 (VCV002767383.3), dbSNP rs2473635217, ClinGen allele CA2697556925.

ClinVar aggregate classification (germline): Uncertain significance (1 of 4 stars; one submission).

Submission:

Labcorp Genetics (formerly Invitae), Labcorp
Classification: Uncertain significance. Last evaluated: 2023-10-10. Review status: criteria provided, single submitter. Criteria: Invitae Variant Classification Sherloc (09022015). Collection method: clinical testing. Allele origin: germline.
Comment: This variant, c.880_885del, results in the deletion of 2 amino acid(s) of the RNF13 protein (p.Ser294_Asp295del), but otherwise preserves the integrity of the reading frame. This variant is not present in population databases (gnomAD no frequency). This variant has not been reported in the literature in individuals affected with RNF13-related conditions. Experimental studies and prediction algorithms are not available or were not evaluated, and the functional significance of this variant is currently unknown. In summary, the available evidence is currently insufficient to determine the role of this variant in disease. Therefore, it has been classified as a Variant of Uncertain Significance.